The following is an entry in ClinVar:

NM_000179.3(MSH6):c.2764C>A (p.Arg922=)

Gene: MSH6 (mutS homolog 6; plus strand). Cytogenetic location: 2p16.3.
Variant type: single nucleotide variant.
Coding change: c.2764C>A on transcript NM_000179.3 (MANE Select); coding-DNA position 2764, C replaced by A.
Protein change: p.Arg922=; no amino-acid change (arginine 922 retained).
Molecular consequence: synonymous variant.
Genome position (GRCh38, 1-based): chr2:47,800,747, C>A. VCF-style: chr2-47800747-C-A. GRCh37 (hg19) VCF-style: chr2-48027886-C-A.
Other names: c.2374C>A, p.Arg792= (NM_001281492.2); c.1858C>A, p.Arg620= (NM_001281493.2, NM_001281494.2).
Identifiers: ClinVar variation 491916 (VCV000491916.18), dbSNP rs587779246, ClinGen allele CA426121654.

ClinVar aggregate classification (germline): Benign/Likely benign. Review status: criteria provided, multiple submitters, no conflicts (2 of 4 stars). 5 submissions from 5 submitters: Benign (1); Likely benign (4). Last evaluated 2025-10-16.

Conditions:
Lynch syndrome. Identifiers: Orphanet 144, MedGen C4552100, MONDO:0005835. Disease mechanism: loss of function.
Lynch syndrome 5 (LYNCH5). Also called: Colorectal cancer, hereditary nonpolyposis, type 5; Hereditary non-polyposis colorectal cancer, type 5. Identifiers: Orphanet 144, MedGen C1833477, MONDO:0013710, OMIM 614350. Disease mechanism: loss of function.
Hereditary nonpolyposis colorectal neoplasms. Identifiers: MedGen C0009405, MeSH D003123.
Hereditary cancer-predisposing syndrome. Also called: Hereditary neoplastic syndrome; Tumor predisposition; Hereditary Cancer Syndrome; Neoplastic Syndromes, Hereditary. Identifiers: Orphanet 140162, MedGen C0027672, MeSH D009386, MONDO:0015356.

Submissions (5):

Labcorp Genetics (formerly Invitae), Labcorp
Classification: Likely benign for Hereditary nonpolyposis colorectal neoplasms. Last evaluated: 2025-10-16. Review status: criteria provided, single submitter. Criteria: Invitae Variant Classification Sherloc (09022015). Collection method: clinical testing. Allele origin: germline.

Myriad Genetics, Inc.
Classification: Benign for Lynch syndrome 5. Last evaluated: 2025-01-02. Review status: criteria provided, single submitter. Criteria: Myriad Autosomal Dominant, Autosomal Recessive and X-Linked Classification Criteria (2023). Collection method: clinical testing. Allele origin: unknown.
Comment: This variant is considered benign. This variant is a silent/synonymous amino acid change and it is not expected to impact splicing.

All of Us Research Program, National Institutes of Health
Classification: Likely benign for Lynch syndrome. Last evaluated: 2023-06-26. Review status: criteria provided, single submitter. Criteria: ACMG Guidelines, 2015. Collection method: clinical testing. Allele origin: germline. Inheritance: Autosomal dominant inheritance. Observed: 1 variant allele, 1 heterozygote.
Comment: This study involves interpretation of variants in research participants for the purpose of population health screening. Participant phenotype was not available at the time of variant classification. Additional details can be found in publication PMID: 35346344, PMCID: PMC8962531

Ambry Genetics
Classification: Likely benign for Hereditary cancer-predisposing syndrome. Last evaluated: 2020-01-29. Review status: criteria provided, single submitter. Criteria: Ambry Variant Classification Scheme 2023. Collection method: clinical testing. Allele origin: germline.

Color Diagnostics, LLC DBA Color Health
Classification: Likely benign for Hereditary cancer-predisposing syndrome. Last evaluated: 2016-12-12. Review status: criteria provided, single submitter. Criteria: ACMG Guidelines, 2015. Collection method: clinical testing. Allele origin: germline.